The following is an entry in ClinVar:

NM_001128178.3(NPHP1):c.1456A>G (p.Met486Val)

Gene: NPHP1 (nephrocystin 1; minus strand). Cytogenetic location: 2q13.
Variant type: single nucleotide variant.
Coding change: c.1456A>G on transcript NM_001128178.3 (MANE Select); coding-DNA position 1456, A replaced by G.
Protein change: p.Met486Val; replaces methionine 486 with valine.
Molecular consequence: missense variant.
Genome position (GRCh38, 1-based): chr2:110,143,615, T>C on the plus strand (A>G on the coding strand, the complement: NPHP1 is on the minus strand). VCF-style: chr2-110143615-T-C. GRCh37 (hg19) VCF-style: chr2-110901192-T-C.
Other names: c.1624A>G, p.Met542Val (NM_000272.5); c.1267A>G, p.Met423Val (NM_001128179.3); c.1453A>G, p.Met485Val (NM_001374256.1); c.1456A>G, p.Met486Val (NM_001374257.1); c.1621A>G, p.Met541Val (NM_207181.4); short protein forms M486V, M541V, M423V, M485V, M542V.
Identifiers: ClinVar variation 1472742 (VCV001472742.6), dbSNP rs1054886885, ClinGen allele CA53534021.

ClinVar aggregate classification (germline): Uncertain significance (1 of 4 stars; one submission).

Conditions:
Nephronophthisis. Also called: Juvenile Nephronophthisis. Identifiers: Orphanet 655, MedGen C0687120, MONDO:0019005, HP:0000090.

Allele frequency attached by ClinVar (database versions not stated): gnomAD exomes below 0.00001; gnomAD 0.00001; TOPMed 0.00001.

Submission:

Labcorp Genetics (formerly Invitae), Labcorp
Classification: Uncertain significance for Nephronophthisis. Last evaluated: 2021-10-11. Review status: criteria provided, single submitter. Criteria: Invitae Variant Classification Sherloc (09022015). Collection method: clinical testing. Allele origin: germline.
Comment: Algorithms developed to predict the effect of missense changes on protein structure and function (SIFT, PolyPhen-2, Align-GVGD) all suggest that this variant is likely to be tolerated. In summary, the available evidence is currently insufficient to determine the role of this variant in disease. Therefore, it has been classified as a Variant of Uncertain Significance. This sequence change replaces methionine with valine at codon 542 of the NPHP1 protein (p.Met542Val). The methionine residue is weakly conserved and there is a small physicochemical difference between methionine and valine. This variant is not present in population databases (ExAC no frequency). This variant has not been reported in the literature in individuals affected with NPHP1-related conditions.